The following is an entry in ClinVar:

ClinVar aggregate classification (germline): Pathogenic (1 of 4 stars; one submission).

Submission:

GeneDx
Classification: Pathogenic. Last evaluated: 2026-04-02. Review status: criteria provided, single submitter. Criteria: GeneDx Variant Classification Process June 2021. Collection method: clinical testing. Allele origin: germline.
Comment: Frameshift variant predicted to result in protein truncation or nonsense mediated decay in a gene for which loss of function is a known mechanism of disease; Not observed at significant frequency in large population cohorts (gnomAD); Has not been previously published as pathogenic or benign to our knowledge

NM_001008537.3(NEXMIF):c.3458del (p.Asn1153fs)

Gene: NEXMIF (neurite extension and migration factor; minus strand). Cytogenetic location: Xq13.3.
Variant type: Deletion.
Coding change: c.3458del on transcript NM_001008537.3 (MANE Select); coding-DNA position 3458, one base deleted (A; older notation c.3458delA).
Protein change: p.Asn1153fs; shifts the reading frame from asparagine 1153.
Molecular consequence: frameshift variant.
Genome position (GRCh38, 1-based): chrX:74,741,099, T deleted on the plus strand (A on the coding strand, the reverse complement: NEXMIF is on the minus strand); the first of 7 consecutive T bases (chrX:74,741,099-74,741,105); deleting any one gives the same sequence. VCF-style (leftmost placement, unchanged base first): chrX-74741098-GT-G. GRCh37 (hg19) VCF-style: chrX-73960933-GT-G.
Other names: short protein forms N1153fs.
Identifiers: ClinVar variation 3252397 (VCV003252397.2), dbSNP rs1602211123.